The following is an entry in ClinVar:

ClinVar aggregate classification (germline): Uncertain significance (1 of 4 stars; one submission).

Conditions:
Cardiovascular phenotype. Identifiers: MedGen CN230736.

Submission:

Ambry Genetics
Classification: Uncertain significance for Cardiovascular phenotype. Last evaluated: 2025-07-30. Review status: criteria provided, single submitter. Criteria: Ambry Variant Classification Scheme 2023. Collection method: clinical testing. Allele origin: germline.
Comment: The c.2967-17_3012dup63 variant results from a duplication of 63 nucleotides between positions c.2967-17 and c.3012 and involves the canonical splice acceptor site before coding exon 37 of the CACNA2D1 gene. In silico splice site analysis predicts that this alteration will not have any significant effect on splicing. The canonical splice acceptor site is highly conserved in available vertebrate species. The evidence for this gene-disease relationship is limited; therefore, the clinical significance of this alteration is unclear.

NM_000722.4(CACNA2D1):c.2967-17_3012dup

Gene: CACNA2D1 (calcium voltage-gated channel auxiliary subunit alpha2delta 1; minus strand). Cytogenetic location: 7q21.11.
Variant type: Duplication.
Coding change: c.2967-17_3012dup on transcript NM_000722.4 (MANE Select); 17 bases into the intron before coding-DNA position 2967 through coding-DNA position 3012, 63 bases duplicated.
Molecular consequence: splice acceptor variant.
Genome position (GRCh38, 1-based): chr7:81,959,784-81,959,846, 63 bases duplicated. GRCh37 (hg19): chr7:81,589,103-81,589,165.
Other names: c.3003-17_3048dup (NM_001366867.1).
Identifiers: ClinVar variation 4217922 (VCV004217922.1).